The following is an entry in ClinVar:

NM_000090.4(COL3A1):c.80-3C>T

Gene: COL3A1 (collagen type III alpha 1 chain; plus strand). Cytogenetic location: 2q32.2.
Variant type: single nucleotide variant.
Coding change: c.80-3C>T on transcript NM_000090.4 (MANE Select); 3 bases into the intron before coding-DNA position 80, C replaced by T.
Molecular consequence: intron variant.
Genome position (GRCh38, 1-based): chr2:188,984,757, C>T. VCF-style: chr2-188984757-C-T. GRCh37 (hg19) VCF-style: chr2-189849483-C-T.
Identifiers: ClinVar variation 3073666 (VCV003073666.1), dbSNP rs2469105532, ClinGen allele CA2662287738.

ClinVar aggregate classification (germline): Likely benign (1 of 4 stars; one submission).

Conditions:
Ehlers-Danlos syndrome, type 4 (EDSVASC). Also called: Ehlers-Danlos Syndrome Type IV; Ehlers-Danlos syndrome vascular type; Ehlers Danlos syndrome, ecchymotic type; Ehlers Danlos syndrome, arterial type; Ehlers Danlos syndrome, Sack-Barabas type. Identifiers: Orphanet 286, MedGen C0268338, MONDO:0017314, OMIM 130050.

Allele frequency attached by ClinVar (database versions not stated): gnomAD exomes below 0.00001.
gnomAD v4.1: 2 of 1,612,724 alleles (0.00012%); highest among the groups gnomAD compares: Non-Finnish European, 0.00017%; no homozygotes.

Submission:

All of Us Research Program, National Institutes of Health
Classification: Likely benign for Ehlers-Danlos syndrome, type 4. Last evaluated: 2023-10-02. Review status: criteria provided, single submitter. Criteria: ACMG Guidelines, 2015. Collection method: clinical testing. Allele origin: germline. Inheritance: Autosomal dominant inheritance. Observed: 1 variant allele, 1 heterozygote.
Comment: This study involves interpretation of variants in research participants for the purpose of population health screening. Participant phenotype was not available at the time of variant classification. Additional details can be found in publication PMID: 35346344, PMCID: PMC8962531